The following is an entry in ClinVar:

ClinVar aggregate classification (germline): Uncertain significance (1 of 4 stars; one submission).

Conditions:
Inborn genetic diseases. Identifiers: MedGen C0950123, MeSH D030342.

Submission:

Ambry Genetics
Classification: Uncertain significance for Inborn genetic diseases. Last evaluated: 2021-06-23. Review status: criteria provided, single submitter. Criteria: Ambry Variant Classification Scheme 2023. Collection method: clinical testing. Allele origin: germline.
Comment: The p.E80G variant (also known as c.239A>G), located in coding exon 3 of the EPAS1 gene, results from an A to G substitution at nucleotide position 239. The glutamic acid at codon 80 is replaced by glycine, an amino acid with similar properties. This amino acid position is conserved. In addition, this alteration is predicted to be tolerated by in silico analysis. Since supporting evidence is limited at this time, the clinical significance of this alteration remains unclear.

NM_001430.5(EPAS1):c.239A>G (p.Glu80Gly)

Gene: EPAS1 (endothelial PAS domain protein 1; plus strand). Cytogenetic location: 2p21.
Variant type: single nucleotide variant.
Coding change: c.239A>G on transcript NM_001430.5 (MANE Select); coding-DNA position 239, A replaced by G.
Protein change: p.Glu80Gly; replaces glutamic acid 80 with glycine.
Molecular consequence: missense variant.
Genome position (GRCh38, 1-based): chr2:46,356,172, A>G. VCF-style: chr2-46356172-A-G. GRCh37 (hg19) VCF-style: chr2-46583311-A-G.
Other names: short protein forms E80G.
Identifiers: ClinVar variation 1790669 (VCV001790669.2), dbSNP rs2546450341, ClinGen allele CA346697704.